The following is an entry in ClinVar:

ClinVar aggregate classification (germline): Likely pathogenic. Review status: criteria provided, multiple submitters, no conflicts (2 of 4 stars). 2 submissions from 2 submitters: Likely pathogenic (2). Last evaluated 2025-12-17.

Conditions:
3-methylcrotonyl-CoA carboxylase 1 deficiency (MCC1D). Also called: MCCD TYPE 1; METHYLCROTONYLGLYCINURIA TYPE I; MCC 1 deficiency; 3 Alpha methylcrotonylglycinuria 1. Identifiers: Orphanet 6, MedGen CN028786, MONDO:0008861, OMIM 210200.

Allele frequency attached by ClinVar (database versions not stated): gnomAD 0.00001; TOPMed 0.00001.

Submissions (2):

Natera, Inc.
Classification: Likely pathogenic for 3-methylcrotonyl-CoA carboxylase 1 deficiency. Last evaluated: 2025-12-17. Review status: criteria provided, single submitter. Criteria: Natera Variant Classification Schema (03/2026). Collection method: clinical testing. Allele origin: germline.
Comment: The c.866C>T variant in MCCC1 is a missense variant predicted to cause substitution of alanine to valine at amino acid 289. This variant is rare in the general population with a frequency below the threshold expected for the associated phenotype(s). This variant has been observed in one or more individuals affected with the associated recessive disease, as either homozygous or compound heterozygous with a second variant (PMID: 25356967). Computational prediction algorithms indicate this variant is likely to affect gene or protein function. Given the available evidence, this variant is classified as Likely Pathogenic.

Baylor Genetics
Classification: Likely pathogenic for 3-methylcrotonyl-CoA carboxylase 1 deficiency. Last evaluated: 2023-08-09. Review status: criteria provided, single submitter. Criteria: ACMG Guidelines, 2015. Collection method: clinical testing. Allele origin: unknown.

Literature cited by the submitters: PubMed 25356967 (cited by Natera, Inc.).

NM_020166.5(MCCC1):c.866C>T (p.Ala289Val)

Gene: MCCC1 (methylcrotonyl-CoA carboxylase subunit 1; minus strand). Cytogenetic location: 3q27.1.
Variant type: single nucleotide variant.
Coding change: c.866C>T on transcript NM_020166.5 (MANE Select); coding-DNA position 866, C replaced by T.
Protein change: p.Ala289Val; replaces alanine 289 with valine.
Molecular consequence: missense variant. On other transcripts: non-coding transcript variant (2).
Genome position (GRCh38, 1-based): chr3:183,057,318, G>A on the plus strand (C>T on the coding strand, the complement: MCCC1 is on the minus strand). VCF-style: chr3-183057318-G-A. GRCh37 (hg19) VCF-style: chr3-182775106-G-A.
Other names: c.866C>T (NM_020166.4); c.515C>T, p.Ala172Val (NM_001293273.2); c.539C>T, p.Ala180Val (NM_001363880.1); short protein forms A172V, A180V, A289V.
Identifiers: ClinVar variation 2676453 (VCV002676453.2), dbSNP rs1326114075, ClinGen allele CA355327587.